The following is an entry in ClinVar:

NM_004360.5(CDH1):c.374C>T (p.Pro125Leu)

Gene: CDH1 (cadherin 1; plus strand). Cytogenetic location: 16q22.1.
Variant type: single nucleotide variant.
Coding change: c.374C>T on transcript NM_004360.5 (MANE Select); coding-DNA position 374, C replaced by T.
Protein change: p.Pro125Leu; replaces proline 125 with leucine.
Molecular consequence: missense variant. On other transcripts: 5 prime UTR variant (2).
Genome position (GRCh38, 1-based): chr16:68,801,880, C>T. VCF-style: chr16-68801880-C-T. GRCh37 (hg19) VCF-style: chr16-68835783-C-T.
Other names: c.374C>T, p.Pro125Leu (NM_001317184.2); c.-1242C>T (NM_001317185.2); c.-1446C>T (NM_001317186.2); short protein forms P125L.
Identifiers: ClinVar variation 1373844 (VCV001373844.9), dbSNP rs2152127049, ClinGen allele CA396457484.
Genomic context (GRCh38, chr16:68,801,880, plus strand): 5'-CCACCTACAGAAAGTTTTCCACCAAAGTCACGCTGAATACAGTGGGGCACCACCACCGCC[C>T]CCCGCCCCATCAGGTATGTTGGCATTTTTCTGAGAAGTTCGCTGTTGTTTTAGTGCGCTG-3'
Protein context (NP_004351.1, residues 115-135): TLNTVGHHHR[Pro125Leu]PPHQASVSGI

ClinVar aggregate classification (germline): Conflicting classifications of pathogenicity. Review status: criteria provided, conflicting classifications (1 of 4 stars). 2 submissions from 2 submitters: Uncertain significance (1); Likely benign (1). Last evaluated 2026-06-18.

Conditions:
Hereditary cancer-predisposing syndrome. Also called: Hereditary Cancer Syndrome; Neoplastic Syndromes, Hereditary; Hereditary neoplastic syndrome; Tumor predisposition. Identifiers: Orphanet 140162, MedGen C0027672, MeSH D009386, MONDO:0015356.
Hereditary diffuse gastric adenocarcinoma (HDGC). Also called: DIFFUSE GASTRIC AND LOBULAR BREAST CANCER SYNDROME. Identifiers: Orphanet 26106, MedGen C1708349, MONDO:0007648, OMIM 137215.

Submissions (2):

Ambry Genetics
Classification: Likely benign for Hereditary cancer-predisposing syndrome. Last evaluated: 2026-06-18. Review status: criteria provided, single submitter. Criteria: Ambry Variant Classification Scheme 2023. Collection method: clinical testing. Allele origin: germline.

Labcorp Genetics (formerly Invitae), Labcorp
Classification: Uncertain significance for Hereditary diffuse gastric adenocarcinoma. Last evaluated: 2021-10-23. Review status: criteria provided, single submitter. Criteria: Invitae Variant Classification Sherloc (09022015). Collection method: clinical testing. Allele origin: germline.
Comment: In summary, the available evidence is currently insufficient to determine the role of this variant in disease. Therefore, it has been classified as a Variant of Uncertain Significance. Algorithms developed to predict the effect of missense changes on protein structure and function (SIFT, PolyPhen-2, Align-GVGD) all suggest that this variant is likely to be tolerated. This variant has not been reported in the literature in individuals affected with CDH1-related conditions. This variant is not present in population databases (ExAC no frequency). This sequence change replaces proline with leucine at codon 125 of the CDH1 protein (p.Pro125Leu). The proline residue is weakly conserved and there is a moderate physicochemical difference between proline and leucine.